The following is an entry in ClinVar:

NM_000531.6(OTC):c.387-2A>G

Gene: OTC (ornithine transcarbamylase; plus strand). Cytogenetic location: Xp11.4.
Variant type: single nucleotide variant.
Coding change: c.387-2A>G on transcript NM_000531.6 (MANE Select); the canonical splice acceptor site of the intron before coding-DNA position 387, A replaced by G.
Molecular consequence: splice acceptor variant.
Genome position (GRCh38, 1-based): chrX:38,401,273, A>G. VCF-style: chrX-38401273-A-G. GRCh37 (hg19) VCF-style: chrX-38260526-A-G.
Other names: c.387-2A>G (NM_001407092.1).
Identifiers: ClinVar variation 97184 (VCV000097184.2), dbSNP rs66556380, ClinGen allele CA224574.

ClinVar aggregate classification (germline): Pathogenic (0 of 4 stars; one submission).

Submission:

GenMed Metabolism Lab
Classification: Pathogenic. Review status: no assertion criteria provided. Collection method: not provided. Allele origin: unknown.
Comment: Neonatal, Acceptor splice site error
ClinVar note: Converted during submission from pathogenic to Pathogenic.